The following is an entry in ClinVar:

NM_018026.4(PACS1):c.400A>G (p.Met134Val)

Gene: PACS1 (phosphofurin acidic cluster sorting protein 1; plus strand). Cytogenetic location: 11q13.2.
Variant type: single nucleotide variant.
Coding change: c.400A>G on transcript NM_018026.4 (MANE Select); coding-DNA position 400, A replaced by G.
Protein change: p.Met134Val; replaces methionine 134 with valine.
Molecular consequence: missense variant.
Genome position (GRCh38, 1-based): chr11:66,193,529, A>G. VCF-style: chr11-66193529-A-G. GRCh37 (hg19) VCF-style: chr11-65961000-A-G.
Other names: short protein forms M134V.
Identifiers: ClinVar variation 2074671 (VCV002074671.4), dbSNP rs2495502243, ClinGen allele CA381508488.

ClinVar aggregate classification (germline): Uncertain significance (1 of 4 stars; one submission).

Conditions:
Schuurs-Hoeijmakers syndrome. Also called: PACS1-Related Neurodevelopmental Disorder. Identifiers: Orphanet 329224, MedGen C3554343, MONDO:0014006, OMIM 615009.

Allele frequency attached by ClinVar (database versions not stated): gnomAD exomes below 0.00001.

Submission:

Labcorp Genetics (formerly Invitae), Labcorp
Classification: Uncertain significance for Schuurs-Hoeijmakers syndrome. Last evaluated: 2022-11-15. Review status: criteria provided, single submitter. Criteria: Invitae Variant Classification Sherloc (09022015). Collection method: clinical testing. Allele origin: germline.
Comment: This variant is not present in population databases (gnomAD no frequency). In summary, the available evidence is currently insufficient to determine the role of this variant in disease. Therefore, it has been classified as a Variant of Uncertain Significance. Algorithms developed to predict the effect of missense changes on protein structure and function (SIFT, PolyPhen-2, Align-GVGD) all suggest that this variant is likely to be tolerated. This variant has not been reported in the literature in individuals affected with PACS1-related conditions. This sequence change replaces methionine, which is neutral and non-polar, with valine, which is neutral and non-polar, at codon 134 of the PACS1 protein (p.Met134Val).